The following is an entry in ClinVar:

NM_000179.3(MSH6):c.1378G>A (p.Gly460Ser)

Gene: MSH6 (mutS homolog 6; plus strand). Cytogenetic location: 2p16.3.
Variant type: single nucleotide variant.
Coding change: c.1378G>A on transcript NM_000179.3 (MANE Select); coding-DNA position 1378, G replaced by A.
Protein change: p.Gly460Ser; replaces glycine 460 with serine.
Molecular consequence: missense variant.
Genome position (GRCh38, 1-based): chr2:47,799,361, G>A. VCF-style: chr2-47799361-G-A. GRCh37 (hg19) VCF-style: chr2-48026500-G-A.
Other names: c.988G>A, p.Gly330Ser (NM_001281492.2); c.472G>A, p.Gly158Ser (NM_001281493.2, NM_001281494.2); short protein forms G330S, G158S, G460S.
Identifiers: ClinVar variation 819040 (VCV000819040.5), dbSNP rs748847338, ClinGen allele CA346744965.
Genomic context (GRCh38, chr2:47,799,361, plus strand): 5'-GCTCTTATTGGAGTCAGTGAACTGGGGCTGGTATTCATGAAAGGCAACTGGGCCCATTCT[G>A]GCTTTCCTGAAATTGCATTTGGCCGTTATTCAGATTCCCTGGTGCAGAAGGGCTATAAAG-3'
Protein context (NP_000170.1, residues 450-470): VFMKGNWAHS[Gly460Ser]FPEIAFGRYS

ClinVar aggregate classification (germline): Uncertain significance. Review status: criteria provided, multiple submitters, no conflicts (2 of 4 stars). 2 submissions from 2 submitters: Uncertain significance (2). Last evaluated 2023-08-15.

Conditions:
Lynch syndrome. Identifiers: Orphanet 144, MedGen C4552100, MONDO:0005835. Disease mechanism: loss of function.
Hereditary cancer-predisposing syndrome. Also called: Tumor predisposition; Hereditary neoplastic syndrome; Neoplastic Syndromes, Hereditary; Hereditary Cancer Syndrome. Identifiers: Orphanet 140162, MedGen C0027672, MeSH D009386, MONDO:0015356.

Submissions (2):

All of Us Research Program, National Institutes of Health
Classification: Uncertain significance for Lynch syndrome. Last evaluated: 2023-08-15. Review status: criteria provided, single submitter. Criteria: ACMG Guidelines, 2015. Collection method: clinical testing. Allele origin: germline. Inheritance: Autosomal dominant inheritance. Observed: 1 variant allele, 1 heterozygote.
Comment: This study involves interpretation of variants in research participants for the purpose of population health screening. Participant phenotype was not available at the time of variant classification. Additional details can be found in publication PMID: 35346344, PMCID: PMC8962531

Ambry Genetics
Classification: Uncertain significance for Hereditary cancer-predisposing syndrome. Last evaluated: 2019-09-03. Review status: criteria provided, single submitter. Criteria: Ambry Variant Classification Scheme 2023. Collection method: clinical testing. Allele origin: germline.
Comment: The p.G460S variant (also known as c.1378G>A), located in coding exon 4 of the MSH6 gene, results from a G to A substitution at nucleotide position 1378. The glycine at codon 460 is replaced by serine, an amino acid with similar properties. This amino acid position is highly conserved in available vertebrate species. In addition, this alteration is predicted to be deleterious by in silico analysis. Since supporting evidence is limited at this time, the clinical significance of this alteration remains unclear.